The following is an entry in ClinVar:

NM_001849.4(COL6A2):c.1970-9G>A

Gene: COL6A2 (collagen type VI alpha 2 chain; plus strand). Cytogenetic location: 21q22.3.
Variant type: single nucleotide variant.
Coding change: c.1970-9G>A on transcript NM_001849.4 (MANE Select); 9 bases into the intron before coding-DNA position 1970, G replaced by A.
Molecular consequence: intron variant.
Genome position (GRCh38, 1-based): chr21:46,125,776, G>A. VCF-style: chr21-46125776-G-A. GRCh37 (hg19) VCF-style: chr21-47545690-G-A.
Other names: c.1970-9G>A (NM_058175.3, NM_058174.3).
Identifiers: ClinVar variation 265506 (VCV000265506.97), dbSNP rs747900252, ClinGen allele CA10072396.

ClinVar aggregate classification (germline): Pathogenic/Likely pathogenic. Review status: criteria provided, multiple submitters, no conflicts (2 of 4 stars). 21 submissions from 21 submitters: Pathogenic (15); Likely pathogenic (2). 4 of the submissions do not count toward it. Last evaluated 2026-06-01.

Conditions:
Autosomal recessive COL6A2-related disorders.
Ullrich congenital muscular dystrophy 1B (UCMD1B). Identifiers: MedGen C5935582, MONDO:0958235, OMIM 620727.
Bethlem myopathy 1B (BTHLM1B). Identifiers: MedGen C5935580, MONDO:0958233, OMIM 620725.
Myosclerosis. Also called: MYOPATHY, MYOSCLEROTIC; MYOSCLEROSIS, CONGENITAL, OF LOWENTHAL; Myosclerosis, congenital. Identifiers: Orphanet 289380, MedGen C1850671, MONDO:0009714, OMIM 255600.
Qualitative or quantitative defects of collagen 6. Identifiers: Orphanet 207090, MedGen C5680804, MONDO:0016148.
Bethlem myopathy. Identifiers: Orphanet 610, MedGen C1834674, MONDO:0008029.
Congenital hip dislocation. Also called: Congenital dislocation of hip. Identifiers: MedGen C0019555, HP:0001374.
Muscle weakness. Identifiers: MedGen C0151786, HP:0001324.
Difficulty walking. Identifiers: MedGen C0311394.
Falls. Identifiers: MedGen C0085639, HP:0002527.
Hip flexor weakness. Identifiers: MedGen C3279725, HP:0012515.
Ullrich congenital muscular dystrophy 1A. Also called: Ullrich congenital muscular dystrophy 1; Intermediate COL6-RD. Identifiers: Orphanet 75840, MedGen C0410179, MONDO:0009681, OMIM 254090.
Collagen 6-related myopathy. Identifiers: MedGen CN117976, MONDO:0100225.
Bethlem myopathy 1A. Also called: Bethlem myopathy 1; MYOPATHY, BENIGN CONGENITAL, WITH CONTRACTURES; Bethlem Muscular Dystrophy. Identifiers: Orphanet 610, MedGen CN029274, MONDO:0024530, OMIM 158810.
Abnormality of the musculature. Identifiers: MedGen C4021745, HP:0003011.

Allele frequency attached by ClinVar (database versions not stated): ExAC 0.00006; gnomAD 0.00007 and 0.00008; gnomAD exomes 0.00011; TOPMed 0.00017.
gnomAD v4.1: 115 of 1,610,954 alleles (0.0071%); highest among the groups gnomAD compares: Admixed American, 0.047%; no homozygotes.

Submissions 1 to 8 of 21:

CeGaT Center for Human Genetics Tuebingen
Classification: Pathogenic. Last evaluated: 2026-06-01. Review status: criteria provided, single submitter. Criteria: CeGaT Center For Human Genetics Tuebingen Variant Classification Criteria Version 2. Collection method: clinical testing. Allele origin: germline. Affected: yes. Observed: 2 variant alleles.
Comment: COL6A2: PVS1, PM2, PM3

Dasa
Classification: Pathogenic. Last evaluated: 2026-04-01. Review status: criteria provided, single submitter. Criteria: DASA Assertion Criteria. Collection method: clinical testing. Allele origin: germline.
Comment: NM_001849.4(COL6A2):c.1970-9G>A is a splice-region variant predicted to affect normal RNA splicing. Functional evidence supports a deleterious effect on the gene or gene product (PMID: 20576434; PMID: 19309692; PMID: 21280092; PMID: 25535305; PMID: 29774307). This variant has been recurrently observed in individuals with related phenotype (PMID: 20576434; PMID: 19309692; PMID: 21280092; PMID: 25535305; PMID: 29774307). Multiple computational predictions support a deleterious effect on the gene or gene product. The variant is present at low frequency in population datasets. Based on the available data, this variant is classified as pathogenic.

Labcorp Genetics (formerly Invitae), Labcorp
Classification: Pathogenic for Bethlem myopathy 1A. Last evaluated: 2026-01-19. Review status: criteria provided, single submitter. Criteria: Invitae Variant Classification Sherloc (09022015). Collection method: clinical testing. Allele origin: germline.
Comment: This sequence change falls in intron 25 of the COL6A2 gene. It does not directly change the encoded amino acid sequence of the COL6A2 protein. This variant is present in population databases (rs747900252, gnomAD 0.04%). This variant has been observed in individual(s) with autosomal recessive COL6A2-related conditions (PMID: 19309692, 20576434, 21280092, 25535305; internal data). In at least one individual the data is consistent with being in trans (on the opposite chromosome) from a pathogenic variant. ClinVar contains an entry for this variant (Variation ID: 265506). Studies have shown that this variant alters COL6A2 gene expression (PMID: 19309692). Algorithms developed to predict the effect of sequence changes on RNA splicing suggest that this variant may disrupt the consensus splice site. For these reasons, this variant has been classified as Pathogenic.

Variantyx, Inc.
Classification: Pathogenic for Autosomal recessive COL6A2-related disorders. Last evaluated: 2025-06-12. Review status: criteria provided, single submitter. Criteria: Variantyx Assertion Criteria 2022. Collection method: clinical testing. Allele origin: germline. Inheritance: Autosomal dominant inheritance. Affected: yes.
Comment: This is an intronic variant in the COL6A2 gene (OMIM: 120240). Pathogenic variants in this gene have been associated with autosomal recessive COL6A2-related disorders. This variant is expected to result in loss of function, which is a known disease mechanism for COL6A2 in this disorder (PMID: 21280092, 19309692, 11381124 ) (PVS1). This variant has a 0.0467% maximum allele frequency in non-founder control populations (PM2). Algorithms that predict the potential impact of sequence variants on RNA splicing suggest that this variant has conflicting evidence regarding the effect on splicing. Based on the current evidence, this variant is classified as pathogenic for autosomal recessive COL6A2-related disorders.

GeneDx
Classification: Pathogenic. Last evaluated: 2025-05-14. Review status: criteria provided, single submitter. Criteria: GeneDx Variant Classification Process June 2021. Collection method: clinical testing. Allele origin: germline. Affected: yes.
Comment: Functional studies show this variant affects the deposition and organization of collagen VI in the extracellular matrix, and the collagen VI level is decreased (PMID: 19309692); In silico analysis supports a deleterious effect on splicing; This variant is associated with the following publications: (PMID: 21280092, 20882040, 28578317, 25535305, 27447704, 34426522, 19309692, 20576434, 20976770, 29774307, 30609409, 32065942, 32363432, 31127727, 34106991, 37526466, 33441455, 38374194, 37569848, 33250842, 38155714, 24314752)

Athena Diagnostics
Classification: Pathogenic. Last evaluated: 2025-03-14. Review status: criteria provided, single submitter. Criteria: Athena Diagnostics Criteria. Collection method: clinical testing. Allele origin: unknown.
Comment: The frequency of this variant in the general population is consistent with pathogenicity. This variant appears to segregate with disease in at least one family. In some published literature this variant is referred to as c.1961-9G>A. Assessment of experimental evidence suggests this variant results in abnormal protein function. This variant results in an overall reduction in protein level (PMID: 19309692). In multiple individuals, this variant has been seen with a single recessive pathogenic variant in the same gene, suggesting this variant may also be pathogenic.

First Genomix Gene Laboratory, Genetic Diagnostics Department
Classification: Pathogenic for Myosclerosis; Bethlem myopathy 1B; Ullrich congenital muscular dystrophy 1B. Last evaluated: 2025-01-16. Review status: criteria provided, single submitter. Criteria: ACMG Guidelines, 2015. Collection method: clinical testing. Allele origin: germline. Inheritance: Autosomal recessive inheritance. Affected: no. Observed: 1 variant allele.

3billion
Classification: Pathogenic for Ullrich congenital muscular dystrophy 1A. Last evaluated: 2023-08-05. Review status: criteria provided, single submitter. Criteria: ACMG Guidelines, 2015. Collection method: clinical testing. Allele origin: germline. Affected: yes.
Comment: The variant is observed at an extremely low frequency in the gnomAD v2.1.1 dataset (total allele frequency: 0.010%). Predicted Consequence/Location: Intron variant Functional studies provide moderate evidence of the variant having a damaging effect on the gene or gene product (PMID: 19309692, 21280092).In silico tools predict the variant to alter splicing and produce an abnormal transcript [SpliceAI: 0.85 (>=0.2, moderate evidence for spliceogenicity)]. The variant has been reported to be in trans with a pathogenic variant as either compound heterozygous or homozygous in at least 2 similarly affected unrelated individuals (PMID: 21280092, 25535305). The variant has been reported at least twice as pathogenic with clinical assertions and evidence for the classification (ClinVar ID: VCV000265506 /PMID: 19309692). Therefore, this variant is classified as Pathogenic according to the recommendation of ACMG/AMP guideline.